The following is an entry in ClinVar:

ClinVar aggregate classification (germline): Uncertain significance (1 of 4 stars; one submission).

Submission:

GeneDx
Classification: Uncertain significance. Last evaluated: 2025-12-09. Review status: criteria provided, single submitter. Criteria: GeneDx Variant Classification Process June 2021. Collection method: clinical testing. Allele origin: germline.
Comment: Not observed at significant frequency in large population cohorts (gnomAD); Frameshift variant predicted to result in abnormal protein length as the last 210 amino acid(s) are replaced with 9 different amino acid(s); Has not been previously published as pathogenic or benign to our knowledge; Variants in candidate genes are classified as variants of uncertain significance in accordance with ACMG guidelines (PMID: 25741868)

NM_014921.5(ADGRL1):c.3779del (p.Gly1260fs)

Genes: ADGRL1 (adhesion G protein-coupled receptor L1; minus strand), ADGRL1-AS1 (ADGRL1 antisense RNA 1; plus strand). Cytogenetic location: 19p13.12.
Variant type: Deletion.
Coding change: c.3779del on transcript NM_014921.5 (MANE Select); coding-DNA position 3779, one base deleted (G; older notation c.3779delG).
Protein change: p.Gly1260fs; shifts the reading frame from glycine 1260.
Molecular consequence: frameshift variant.
Genome position (GRCh38, 1-based): chr19:14,151,504, C deleted on the plus strand (G on the coding strand, the reverse complement: ADGRL1 is on the minus strand); the first of 5 consecutive C bases (chr19:14,151,504-14,151,508); deleting any one gives the same sequence. VCF-style (leftmost placement, unchanged base first): chr19-14151503-GC-G. GRCh37 (hg19) VCF-style: chr19-14262315-GC-G.
Other names: c.3794del, p.Gly1265fs (NM_001008701.3); short protein forms G1260fs, G1265fs.
Identifiers: ClinVar variation 4975215 (VCV004975215.1).